The following is an entry in ClinVar:

ClinVar aggregate classification (germline): Uncertain significance (1 of 4 stars; one submission).

Conditions:
Familial melanoma. Also called: Hereditary melanoma; Hereditary cutaneous melanoma. Identifiers: Orphanet 618, MedGen C1512419, MONDO:0018961.

Submission:

Labcorp Genetics (formerly Invitae), Labcorp
Classification: Uncertain significance for Familial melanoma. Last evaluated: 2025-01-29. Review status: criteria provided, single submitter. Criteria: Invitae Variant Classification Sherloc (09022015). Collection method: clinical testing. Allele origin: germline.
Comment: This sequence change replaces valine, which is neutral and non-polar, with phenylalanine, which is neutral and non-polar, at codon 14 of the CDK4 protein (p.Val14Phe). This variant is not present in population databases (gnomAD no frequency). This variant has not been reported in the literature in individuals affected with CDK4-related conditions. Invitae Evidence Modeling of protein sequence and biophysical properties (such as structural, functional, and spatial information, amino acid conservation, physicochemical variation, residue mobility, and thermodynamic stability) indicates that this missense variant is expected to disrupt CDK4 protein function with a positive predictive value of 95%. In summary, the available evidence is currently insufficient to determine the role of this variant in disease. Therefore, it has been classified as a Variant of Uncertain Significance.

NM_000075.4(CDK4):c.40G>T (p.Val14Phe)

Gene: CDK4 (cyclin dependent kinase 4; minus strand). Cytogenetic location: 12q14.1.
Variant type: single nucleotide variant.
Coding change: c.40G>T on transcript NM_000075.4 (MANE Select); coding-DNA position 40, G replaced by T.
Protein change: p.Val14Phe; replaces valine 14 with phenylalanine.
Molecular consequence: missense variant.
Genome position (GRCh38, 1-based): chr12:57,751,678, C>A on the plus strand (G>T on the coding strand, the complement: CDK4 is on the minus strand). VCF-style: chr12-57751678-C-A. GRCh37 (hg19) VCF-style: chr12-58145461-C-A.
Other names: short protein forms V14F.
Identifiers: ClinVar variation 3603860 (VCV003603860.2).